The following is an entry in ClinVar:

NM_031407.7(HUWE1):c.6554C>T (p.Thr2185Ile)

Gene: HUWE1 (HECT, UBA and WWE domain containing E3 ubiquitin protein ligase 1; minus strand). Cytogenetic location: Xp11.22.
Variant type: single nucleotide variant.
Coding change: c.6554C>T on transcript NM_031407.7 (MANE Select); coding-DNA position 6554, C replaced by T.
Protein change: p.Thr2185Ile; replaces threonine 2185 with isoleucine.
Molecular consequence: missense variant.
Genome position (GRCh38, 1-based): chrX:53,568,845, G>A on the plus strand (C>T on the coding strand, the complement: HUWE1 is on the minus strand). VCF-style: chrX-53568845-G-A. GRCh37 (hg19) VCF-style: chrX-53595805-G-A.
Other names: short protein forms T2185I.
Identifiers: ClinVar variation 1803337 (VCV001803337.2), dbSNP rs2524427604, ClinGen allele CA413164136.

ClinVar aggregate classification (germline): Uncertain significance. Review status: criteria provided, multiple submitters, no conflicts (2 of 4 stars). 2 submissions from 2 submitters: Uncertain significance (2). Last evaluated 2024-11-11.

Submissions (2):

Blueprint Genetics
Classification: Uncertain significance. Last evaluated: 2024-11-11. Review status: criteria provided, single submitter. Criteria: ACMG Guidelines, 2015. Collection method: clinical testing. Allele origin: germline.

GeneDx
Classification: Uncertain significance. Last evaluated: 2022-06-06. Review status: criteria provided, single submitter. Criteria: GeneDx Variant Classification Process June 2021. Collection method: clinical testing. Allele origin: germline. Affected: yes.
Comment: Not observed at significant frequency in large population cohorts (gnomAD); In silico analysis supports that this missense variant does not alter protein structure/function; Has not been previously published as pathogenic or benign to our knowledge